The following is an entry in ClinVar:

NM_006371.5(CRTAP):c.1153-3C>T

Gene: CRTAP (cartilage associated protein; plus strand). Cytogenetic location: 3p22.3.
Variant type: single nucleotide variant.
Coding change: c.1153-3C>T on transcript NM_006371.5 (MANE Select); 3 bases into the intron before coding-DNA position 1153, C replaced by T.
Molecular consequence: intron variant.
Genome position (GRCh38, 1-based): chr3:33,142,392, C>T. VCF-style: chr3-33142392-C-T. GRCh37 (hg19) VCF-style: chr3-33183884-C-T.
Other names: c.1069-3C>T (NM_001393363.1); c.1024-3C>T (NM_001393364.1); c.1003-3C>T (NM_001393365.1).
Identifiers: ClinVar variation 2076396 (VCV002076396.1), dbSNP rs201554363, ClinGen allele CA2300522.
Genomic context (GRCh38, chr3:33,142,392, plus strand): 5'-CTCATCAGTACTTTTAAAAGTCCAATAGCCCATTTAATAAAGTTGTCCTGTTGTCTCTTA[C>T]AGGGAGAAGTTGTGGAATATGTGGATGACCTCTTGGAACTGGAGGAGACCAGCTAGCCCA-3'

ClinVar aggregate classification (germline): Uncertain significance (1 of 4 stars; one submission).

Conditions:
Osteogenesis imperfecta type 7 (OI7). Also called: OSTEOGENESIS IMPERFECTA, TYPE IIB; OI type 7; OI type VII; Osteogenesis imperfecta type 2B; OI type 2B; Osteogenesis imperfecta, perinatal lethal autosomal recessive. Identifiers: MedGen C1853162, MONDO:0012536, OMIM 610682.

gnomAD v4.1: 14 of 1,613,626 alleles (0.00087%); highest among the groups gnomAD compares: African/African-American, 0.0013%; no homozygotes.

Submission:

Labcorp Genetics (formerly Invitae), Labcorp
Classification: Uncertain significance for Osteogenesis imperfecta type 7. Last evaluated: 2022-08-07. Review status: criteria provided, single submitter. Criteria: Invitae Variant Classification Sherloc (09022015). Collection method: clinical testing. Allele origin: germline.
Comment: This sequence change falls in intron 6 of the CRTAP gene. It does not directly change the encoded amino acid sequence of the CRTAP protein. It affects a nucleotide within the consensus splice site. This variant is present in population databases (rs201554363, gnomAD 0.004%). This variant has not been reported in the literature in individuals affected with CRTAP-related conditions. Variants that disrupt the consensus splice site are a relatively common cause of aberrant splicing (PMID: 17576681, 9536098). Algorithms developed to predict the effect of sequence changes on RNA splicing suggest that this variant may disrupt the consensus splice site. This variant disrupts the c.1153-3 nucleotide in the CRTAP gene. Other variant(s) that disrupt this nucleotide have been determined to be pathogenic (PMID: 32922437). This suggests that this nucleotide is clinically significant, and that variants that disrupt this position are likely to be disease-causing. In summary, the available evidence is currently insufficient to determine the role of this variant in disease. Therefore, it has been classified as a Variant of Uncertain Significance.

Literature cited by the submitters: PubMed 17576681; PubMed 9536098; PubMed 32922437.